The following is an entry in ClinVar:

NM_015909.4(NBAS):c.3817+6T>C

Gene: NBAS (NBAS subunit of NRZ tethering complex; minus strand). Cytogenetic location: 2p24.3.
Variant type: single nucleotide variant.
Coding change: c.3817+6T>C on transcript NM_015909.4 (MANE Select); 6 bases into the intron after coding-DNA position 3817, T replaced by C.
Molecular consequence: intron variant.
Genome position (GRCh38, 1-based): chr2:15,366,574, A>G on the plus strand (T>C on the coding strand, the complement: NBAS is on the minus strand). VCF-style: chr2-15366574-A-G. GRCh37 (hg19) VCF-style: chr2-15506698-A-G.
Identifiers: ClinVar variation 1956342 (VCV001956342.5), dbSNP rs771043730, ClinGen allele CA1535903.
Genomic context (GRCh38, chr2:15,366,574, plus strand): 5'-GTCCTGCAATGATGTCAAGAATAACATAGAAAGCTTATTCTGCAGTTTAGTACTCAAAAG[A>G]CTTACCTGCAACCCTCAGCAGCTCAGCAAGGCCCAGAAGCTTGGTGGATTGTTTATAGCA-3'

ClinVar aggregate classification (germline): Uncertain significance (1 of 4 stars; one submission).

Allele frequency attached by ClinVar (database versions not stated): gnomAD 0.00001; gnomAD exomes 0.00001; ExAC 0.00002.
gnomAD v4.1: 17 of 1,610,900 alleles (0.0011%); highest among the groups gnomAD compares: South Asian, 0.019%; no homozygotes.

Submission:

Labcorp Genetics (formerly Invitae), Labcorp
Classification: Uncertain significance. Last evaluated: 2022-04-12. Review status: criteria provided, single submitter. Criteria: Invitae Variant Classification Sherloc (09022015). Collection method: clinical testing. Allele origin: germline.
Comment: This sequence change falls in intron 32 of the NBAS gene. It does not directly change the encoded amino acid sequence of the NBAS protein. It affects a nucleotide within the consensus splice site. This variant is present in population databases (rs771043730, gnomAD 0.01%). This variant has not been reported in the literature in individuals affected with NBAS-related conditions. Variants that disrupt the consensus splice site are a relatively common cause of aberrant splicing (PMID: 17576681, 9536098). Algorithms developed to predict the effect of sequence changes on RNA splicing suggest that this variant is not likely to affect RNA splicing. In summary, the available evidence is currently insufficient to determine the role of this variant in disease. Therefore, it has been classified as a Variant of Uncertain Significance.

Literature cited by the submitters: PubMed 17576681; PubMed 9536098.